The following is an entry in ClinVar:

NM_017841.4(SDHAF2):c.*4G>A

Gene: SDHAF2 (succinate dehydrogenase complex assembly factor 2; plus strand). Cytogenetic location: 11q12.2.
Variant type: single nucleotide variant.
Coding change: c.*4G>A on transcript NM_017841.4 (MANE Select); 4 bases downstream of the stop codon, G replaced by A.
Molecular consequence: 3 prime UTR variant.
Genome position (GRCh38, 1-based): chr11:61,446,075, G>A. VCF-style: chr11-61446075-G-A. GRCh37 (hg19) VCF-style: chr11-61213547-G-A.
Identifiers: ClinVar variation 4758653 (VCV004758653.1).

ClinVar aggregate classification (germline): Uncertain significance (1 of 4 stars; one submission).

Conditions:
Hereditary pheochromocytoma and paraganglioma. Also called: Hereditary Paraganglioma-Pheochromocytoma Syndromes; Hereditary paragangliomas and pheochromocytomas; Hereditary pheochromocytoma-paraganglioma. Identifiers: Orphanet 29072, MedGen C4274332, MONDO:0017366.

Submission:

Color Diagnostics, LLC DBA Color Health
Classification: Uncertain significance for Hereditary pheochromocytoma and paraganglioma. Last evaluated: 2025-06-23. Review status: criteria provided, single submitter. Criteria: ACMG Guidelines, 2015. Collection method: clinical testing. Allele origin: germline.
Comment: This variant results in a single nucleotide substitution in the 3' untranslated region of the SDHAF2 gene. To our knowledge, functional studies have not been reported for this variant. This variant has not been reported in individuals affected with SDHAF2-related disorders in the literature. This variant has not been identified in the general population by the Genome Aggregation Database (gnomAD). The available evidence is insufficient to determine the role of this variant in disease conclusively. Therefore, this variant is classified as a Variant of Uncertain Significance.